The following is an entry in ClinVar:

NM_001379200.1(TBX1):c.1361_1384dup (p.Pro461_His462insArgTyrHisProHisAlaHisPro)

Gene: TBX1 (T-box transcription factor 1; plus strand). Cytogenetic location: 22q11.21.
Variant type: Duplication.
Coding change: c.1361_1384dup on transcript NM_001379200.1 (MANE Select); coding-DNA positions 1361 to 1384, 24 bases duplicated (GCTACCACCCGCACGCGCATCCGC).
Protein change: p.Pro461_His462insArgTyrHisProHisAlaHisPro.
Molecular consequence: inframe insertion. On other transcripts: intron variant (2).
Genome position (GRCh38, 1-based): chr22:19,766,713-19,766,736, GCTACCACCCGCACGCGCATCCGC duplicated. VCF-style (leftmost placement, unchanged base first): chr22-19766712-G-GGCTACCACCCGCACGCGCATCCGC. GRCh37 (hg19) VCF-style: chr22-19754235-G-GGCTACCACCCGCACGCGCATCCGC.
Other names: c.1334_1357dup, p.Pro452_His453insArgTyrHisProHisAlaHisPro (NM_080647.1); c.1009+711_1009+734dup (NM_005992.1, NM_080646.2).
Identifiers: ClinVar variation 2719319 (VCV002719319.3), dbSNP rs1555896830, ClinGen allele CA920336490.

ClinVar aggregate classification (germline): Uncertain significance (1 of 4 stars; one submission).

Conditions:
DiGeorge syndrome. Also called: THIRD AND FOURTH PHARYNGEAL POUCH SYNDROME; Catch22. Identifiers: Orphanet 567, MedGen C0012236, MONDO:0008564, OMIM 188400.

Allele frequency attached by ClinVar (database versions not stated): gnomAD exomes below 0.00001.

Submission:

Labcorp Genetics (formerly Invitae), Labcorp
Classification: Uncertain significance for DiGeorge syndrome. Last evaluated: 2023-12-07. Review status: criteria provided, single submitter. Criteria: Invitae Variant Classification Sherloc (09022015). Collection method: clinical testing. Allele origin: germline.
Comment: This variant, c.1334_1357dup, results in the insertion of 8 amino acid(s) of the TBX1 protein (p.Pro452_His453ins8), but otherwise preserves the integrity of the reading frame. This variant is not present in population databases (gnomAD no frequency). This variant has not been reported in the literature in individuals affected with TBX1-related conditions. Experimental studies and prediction algorithms are not available or were not evaluated, and the functional significance of this variant is currently unknown. In summary, the available evidence is currently insufficient to determine the role of this variant in disease. Therefore, it has been classified as a Variant of Uncertain Significance.